The following is an entry in ClinVar:

NM_001369369.1(FOXN1):c.44G>A (p.Gly15Asp)

Gene: FOXN1 (forkhead box N1; plus strand). Cytogenetic location: 17q11.2.
Variant type: single nucleotide variant.
Coding change: c.44G>A on transcript NM_001369369.1 (MANE Select); coding-DNA position 44, G replaced by A.
Protein change: p.Gly15Asp; replaces glycine 15 with aspartic acid.
Molecular consequence: missense variant.
Genome position (GRCh38, 1-based): chr17:28,524,013, G>A. VCF-style: chr17-28524013-G-A. GRCh37 (hg19) VCF-style: chr17-26851031-G-A.
Other names: c.44G>A, p.Gly15Asp (NM_003593.3); short protein forms G15D.
Identifiers: ClinVar variation 1506129 (VCV001506129.8), dbSNP rs963520404, ClinGen allele CA289115826.

ClinVar aggregate classification (germline): Uncertain significance (1 of 4 stars; one submission).

Conditions:
T-cell immunodeficiency, congenital alopecia, and nail dystrophy. Also called: Congenital alopecia and nail dystrophy associated with severe functional T-cell immunodeficiency; Pignata Guarino syndrome. Identifiers: Orphanet 169095, MedGen C1866426, MONDO:0011132, OMIM 601705.

Allele frequency attached by ClinVar (database versions not stated): TOPMed below 0.00001; gnomAD exomes 0.00001.
gnomAD v4.1: 3 of 1,612,872 alleles (0.00019%); highest among the groups gnomAD compares: Non-Finnish European, 0.00025%; no homozygotes.

Submission:

Labcorp Genetics (formerly Invitae), Labcorp
Classification: Uncertain significance for T-cell immunodeficiency, congenital alopecia, and nail dystrophy. Last evaluated: 2023-12-09. Review status: criteria provided, single submitter. Criteria: Invitae Variant Classification Sherloc (09022015). Collection method: clinical testing. Allele origin: germline.
Comment: This sequence change replaces glycine, which is neutral and non-polar, with aspartic acid, which is acidic and polar, at codon 15 of the FOXN1 protein (p.Gly15Asp). This variant is not present in population databases (gnomAD no frequency). This variant has not been reported in the literature in individuals affected with FOXN1-related conditions. ClinVar contains an entry for this variant (Variation ID: 1506129). Algorithms developed to predict the effect of missense changes on protein structure and function output the following: SIFT: "Not Available"; PolyPhen-2: "Benign"; Align-GVGD: "Not Available". The aspartic acid amino acid residue is found in multiple mammalian species, which suggests that this missense change does not adversely affect protein function. In summary, the available evidence is currently insufficient to determine the role of this variant in disease. Therefore, it has been classified as a Variant of Uncertain Significance.